The following is an entry in ClinVar:

NM_001940.4(ATN1):c.1461_1463del (p.Gln502del)

Genes: ATN1 (atrophin 1; plus strand), LOC109461484 (atrophin 1 repeat instability region; plus strand). Cytogenetic location: 12p13.31.
Variant type: Deletion.
Coding change: c.1461_1463del on transcript NM_001940.4 (MANE Select); coding-DNA positions 1461 to 1463, 3 bases deleted (ACA; older notation c.1461_1463delACA).
Protein change: p.Gln502del; deletes glutamine 502.
Molecular consequence: inframe deletion.
Genome position (GRCh38, 1-based): chr12:6,936,728-6,936,730, ACA deleted; deleting any 3 consecutive bases within chr12:6,936,726-6,936,730 gives the same sequence; the c. name uses the placement nearest the transcript's 3' end. VCF-style (leftmost placement, unchanged base first): chr12-6936725-GCAA-G. GRCh37 (hg19) VCF-style: chr12-7045888-GCAA-G.
Other names: p.Gln502del; c.1461_1463del, p.Gln502del (NM_001007026.2, NM_001424176.1, NM_001424177.1 and 1 more transcripts); c.1458_1460del, p.Gln501del (NM_001424179.1, NM_001424180.1); short protein forms Q501del, Q502del.
Identifiers: ClinVar variation 4683713 (VCV004683713.2).

ClinVar aggregate classification (germline): Likely benign. Review status: criteria provided, multiple submitters, no conflicts (2 of 4 stars). 2 submissions from 2 submitters: Likely benign (2). Last evaluated 2025-03-28.

Submissions (2):

Mayo Clinic Laboratories, Mayo Clinic
Classification: Likely benign. Last evaluated: 2025-03-28. Review status: criteria provided, single submitter. Criteria: ACMG Guidelines, 2015. Collection method: clinical testing. Allele origin: germline. Observed: 1 variant allele.
Comment: BS1, BP3

Blueprint Genetics
Classification: Likely benign. Last evaluated: 2024-11-06. Review status: criteria provided, single submitter. Criteria: ACMG Guidelines, 2015. Collection method: clinical testing. Allele origin: germline.